The following is an entry in ClinVar:

ClinVar aggregate classification (germline): Uncertain significance. Review status: criteria provided, multiple submitters, no conflicts (2 of 4 stars). 6 submissions from 6 submitters: Uncertain significance (6). Last evaluated 2026-02-20.

Conditions:
PEX5-related disorder. Also called: PEX5-Related Disorders; PEX5-related condition.
Peroxisome biogenesis disorder 2B (PBD2B). Identifiers: Orphanet 44, MedGen C3550234, MONDO:0008736, OMIM 202370.
Inborn genetic diseases. Identifiers: MedGen C0950123, MeSH D030342.
Peroxisome biogenesis disorder 2A (Zellweger) (PBD2A). Also called: Cerebrohepatorenal syndrome, variant types. Identifiers: Orphanet 912, MedGen C3550273, MONDO:0008954, OMIM 214110.

Allele frequency attached by ClinVar (database versions not stated): gnomAD exomes 0.00003 and 0.00008; ExAC 0.00007; gnomAD 0.00011 and 0.00013; TOPMed 0.00011; ESP Exome Variant Server 0.00015; 1000 Genomes Project 0.00040; 1000 Genomes Project 30x 0.00062.
gnomAD v4.1: 65 of 1,614,058 alleles (0.004%); highest among the groups gnomAD compares: Admixed American, 0.03%; no homozygotes.

Submissions (6):

PreventionGenetics, part of Exact Sciences
Classification: Uncertain significance for PEX5-related condition. Last evaluated: 2026-02-20. Review status: criteria provided, single submitter. Criteria: ACMG Guidelines, 2015. Collection method: clinical testing. Allele origin: germline.
Comment: The PEX5 c.1522G>A variant is predicted to result in the amino acid substitution p.Val508Met. To our knowledge, this variant has not been reported in the literature. This variant is reported in 0.058% of alleles in individuals of Ashkenazi Jewish descent in gnomAD. Although we suspect that this variant may be benign, at this time, the clinical significance of this variant is uncertain due to the absence of conclusive functional and genetic evidence.

Ambry Genetics
Classification: Uncertain significance for Inborn genetic diseases. Last evaluated: 2025-09-25. Review status: criteria provided, single submitter. Criteria: Ambry Variant Classification Scheme 2023. Collection method: clinical testing. Allele origin: germline.

Labcorp Genetics (formerly Invitae), Labcorp
Classification: Uncertain significance for Peroxisome biogenesis disorder 2B. Last evaluated: 2022-10-03. Review status: criteria provided, single submitter. Criteria: Invitae Variant Classification Sherloc (09022015). Collection method: clinical testing. Allele origin: germline.
Comment: This sequence change replaces valine, which is neutral and non-polar, with methionine, which is neutral and non-polar, at codon 508 of the PEX5 protein (p.Val508Met). This variant is present in population databases (rs138028549, gnomAD 0.07%). This variant has not been reported in the literature in individuals affected with PEX5-related conditions. ClinVar contains an entry for this variant (Variation ID: 310426). Advanced modeling of protein sequence and biophysical properties (such as structural, functional, and spatial information, amino acid conservation, physicochemical variation, residue mobility, and thermodynamic stability) performed at Invitae indicates that this missense variant is expected to disrupt PEX5 protein function. In summary, the available evidence is currently insufficient to determine the role of this variant in disease. Therefore, it has been classified as a Variant of Uncertain Significance.

GeneDx
Classification: Uncertain significance. Last evaluated: 2021-11-09. Review status: criteria provided, single submitter. Criteria: GeneDx Variant Classification Process June 2021. Collection method: clinical testing. Allele origin: germline. Affected: yes.
Comment: Has not been previously published as pathogenic or benign to our knowledge; In silico analysis supports that this missense variant does not alter protein structure/function

Illumina Laboratory Services, Illumina
Classification: Uncertain significance for Peroxisome biogenesis disorder 2A (Zellweger). Last evaluated: 2018-01-12. Review status: criteria provided, single submitter. Criteria: ICSL Variant Classification Criteria 13 December 2019. Collection method: clinical testing. Allele origin: germline.

Eurofins Ntd Llc (ga)
Classification: Uncertain significance. Last evaluated: 2017-06-22. Review status: criteria provided, single submitter. Criteria: EGL Classification Definitions 2015. Collection method: clinical testing. Allele origin: germline. Observed: 1 variant allele, 1 heterozygote.

NM_001351132.2(PEX5):c.1522G>A (p.Val508Met)

Gene: PEX5 (peroxisomal biogenesis factor 5; plus strand). Cytogenetic location: 12p13.31.
Variant type: single nucleotide variant.
Coding change: c.1522G>A on transcript NM_001351132.2 (MANE Select); coding-DNA position 1522, G replaced by A.
Protein change: p.Val508Met; replaces valine 508 with methionine.
Molecular consequence: missense variant.
Genome position (GRCh38, 1-based): chr12:7,209,132, G>A. VCF-style: chr12-7209132-G-A. GRCh37 (hg19) VCF-style: chr12-7361728-G-A.
Other names: c.1387G>A, p.Val463Met (NM_001351139.2, NM_001351140.2, NM_001374649.2); c.1411G>A, p.Val471Met (NM_001374645.1, NM_001374646.1, NM_001374648.2 and 7 more transcripts); c.1522G>A, p.Val508Met (NM_001374647.2, NM_001131025.2, NM_001131026.2 and 4 more transcripts); c.1498G>A, p.Val500Met (NM_000319.5); c.1567G>A, p.Val523Met (NM_001131023.2); c.1456G>A, p.Val486Met (NM_001351135.3, NM_001351138.2); c.1513G>A, p.Val505Met (NM_001351136.2); short protein forms V500M, V508M, V486M, V463M, V471M, V505M, V523M.
Identifiers: ClinVar variation 310426 (VCV000310426.18), dbSNP rs138028549, ClinGen allele CA6426477.